The following is an entry in ClinVar:

NM_001330700.2(TOP2B):c.146T>G (p.Leu49Trp)

Gene: TOP2B (DNA topoisomerase II beta; minus strand). Cytogenetic location: 3p24.2.
Variant type: single nucleotide variant.
Coding change: c.146T>G on transcript NM_001330700.2 (MANE Select); coding-DNA position 146, T replaced by G.
Protein change: p.Leu49Trp; replaces leucine 49 with tryptophan.
Molecular consequence: missense variant.
Genome position (GRCh38, 1-based): chr3:25,645,394, A>C on the plus strand (T>G on the coding strand, the complement: TOP2B is on the minus strand). VCF-style: chr3-25645394-A-C. GRCh37 (hg19) VCF-style: chr3-25686885-A-C.
Other names: c.131T>G, p.Leu44Trp (NM_001068.3); short protein forms L44W, L49W.
Identifiers: ClinVar variation 2987591 (VCV002987591.3), dbSNP rs777742617, ClinGen allele CA2288969.
Genomic context (GRCh38, chr3:25,645,394, plus strand): 5'-TCAGGACGAAGAAGAATGTGTTCAAGTTGTGTCTTCTTCTGATACACTCTCTCAACAGAC[A>C]ACTTCTTTGAAGAATCATTTTTGTTGGCAGTTTCTGACTCTTCTTTTTTTGCAGCATTGT-3'
Protein context (NP_001317629.1, residues 39-59): TANKNDSSKK[Leu49Trp]SVERVYQKKT

ClinVar aggregate classification (germline): Uncertain significance (1 of 4 stars; one submission).

Allele frequency attached by ClinVar (database versions not stated): ExAC 0.00001; gnomAD exomes 0.00001.
gnomAD v4.1: 5 of 1,613,828 alleles (0.00031%); highest among the groups gnomAD compares: Admixed American, 0.0067%; no homozygotes.

Submission:

Labcorp Genetics (formerly Invitae), Labcorp
Classification: Uncertain significance. Last evaluated: 2024-01-12. Review status: criteria provided, single submitter. Criteria: Invitae Variant Classification Sherloc (09022015). Collection method: clinical testing. Allele origin: germline.
Comment: This sequence change replaces leucine, which is neutral and non-polar, with tryptophan, which is neutral and slightly polar, at codon 44 of the TOP2B protein (p.Leu44Trp). This variant is present in population databases (rs777742617, gnomAD 0.009%). This variant has not been reported in the literature in individuals affected with TOP2B-related conditions. An algorithm developed to predict the effect of missense changes on protein structure and function (PolyPhen-2) suggests that this variant is likely to be disruptive. In summary, the available evidence is currently insufficient to determine the role of this variant in disease. Therefore, it has been classified as a Variant of Uncertain Significance.